The following is an entry in ClinVar:

ClinVar aggregate classification (germline): Uncertain significance (1 of 4 stars; one submission).

Conditions:
Primary ciliary dyskinesia. Also called: Ciliary dyskinesia. Identifiers: Orphanet 244, MedGen C0008780, MONDO:0016575, HP:0012265.

Submission:

Ambry Genetics
Classification: Uncertain significance for Primary ciliary dyskinesia. Last evaluated: 2025-03-04. Review status: criteria provided, single submitter. Criteria: Ambry Variant Classification Scheme 2023. Collection method: clinical testing. Allele origin: germline.
Comment: The p.D835N variant (also known as c.2503G>A), located in coding exon 16 of the ARMC4 gene, results from a G to A substitution at nucleotide position 2503. The aspartic acid at codon 835 is replaced by asparagine, an amino acid with highly similar properties. This amino acid position is conserved. In addition, this alteration is predicted to be tolerated by in silico analysis. Based on the available evidence, the clinical significance of this variant remains unclear.

NM_018076.5(ODAD2):c.2503G>A (p.Asp835Asn)

Gene: ODAD2 (outer dynein arm docking complex subunit 2; minus strand). Cytogenetic location: 10p12.1.
Variant type: single nucleotide variant.
Coding change: c.2503G>A on transcript NM_018076.5 (MANE Select); coding-DNA position 2503, G replaced by A.
Protein change: p.Asp835Asn; replaces aspartic acid 835 with asparagine.
Molecular consequence: missense variant.
Genome position (GRCh38, 1-based): chr10:27,907,770, C>T on the plus strand (G>A on the coding strand, the complement: ODAD2 is on the minus strand). VCF-style: chr10-27907770-C-T. GRCh37 (hg19) VCF-style: chr10-28196699-C-T.
Other names: c.2503G>A, p.Asp835Asn (NM_001290020.2); c.1078G>A, p.Asp360Asn (NM_001290021.2); c.1579G>A, p.Asp527Asn (NM_001312689.2); short protein forms D835N, D360N, D527N.
Identifiers: ClinVar variation 3882563 (VCV003882563.1).